The following is an entry in ClinVar:

NM_001887.4(CRYBB1):c.579G>C (p.Trp193Cys)

Genes: CRYBA4 (crystallin beta A4; plus strand), CRYBB1 (crystallin beta B1; minus strand). Cytogenetic location: 22q12.1.
Variant type: single nucleotide variant.
Coding change: c.579G>C on transcript NM_001887.4 (MANE Select); coding-DNA position 579, G replaced by C.
Protein change: p.Trp193Cys; replaces tryptophan 193 with cysteine.
Molecular consequence: missense variant.
Genome position (GRCh38, 1-based): chr22:26,599,670, C>G on the plus strand (G>C on the coding strand, the complement: CRYBB1 is on the minus strand). VCF-style: chr22-26599670-C-G. GRCh37 (hg19) VCF-style: chr22-26995634-C-G.
Other names: c.579G>C (NM_001887.3); short protein forms W193C.
Identifiers: ClinVar variation 4812095 (VCV004812095.2).

ClinVar aggregate classification (germline): Uncertain significance. Review status: criteria provided, multiple submitters, no conflicts (2 of 4 stars). 2 submissions from 2 submitters: Uncertain significance (2). Last evaluated 2026-02-24.

Conditions:
Inborn genetic diseases. Identifiers: MedGen C0950123, MeSH D030342.
Cataract 17 multiple types. Also called: CATARACT 17, PULVERULENT; CATARACT 17, CONGENITAL NUCLEAR, AUTOSOMAL RECESSIVE. Identifiers: Orphanet 91492, MedGen C3888124, MONDO:0012688, OMIM 611544.

gnomAD v4.1: 5 of 1,613,924 alleles (0.00031%); highest among the groups gnomAD compares: Non-Finnish European, 0.00042%; no homozygotes.

Submissions (2):

Ambry Genetics
Classification: Uncertain significance for Inborn genetic diseases. Last evaluated: 2026-02-24. Review status: criteria provided, single submitter. Criteria: Ambry Variant Classification Scheme 2023. Collection method: clinical testing. Allele origin: germline.

Labcorp Genetics (formerly Invitae), Labcorp
Classification: Uncertain significance for Cataract 17 multiple types. Last evaluated: 2025-08-01. Review status: criteria provided, single submitter. Criteria: Invitae Variant Classification Sherloc (09022015). Collection method: clinical testing. Allele origin: germline.
Comment: This sequence change replaces tryptophan, which is neutral and slightly polar, with cysteine, which is neutral and slightly polar, at codon 193 of the CRYBB1 protein (p.Trp193Cys). This variant is not present in population databases (gnomAD no frequency). This variant has not been reported in the literature in individuals affected with CRYBB1-related conditions. Invitae Evidence Modeling of protein sequence and biophysical properties (such as structural, functional, and spatial information, amino acid conservation, physicochemical variation, residue mobility, and thermodynamic stability) indicates that this missense variant is expected to disrupt CRYBB1 protein function with a positive predictive value of 80%. In summary, the available evidence is currently insufficient to determine the role of this variant in disease. Therefore, it has been classified as a Variant of Uncertain Significance.